The following is an entry in ClinVar:

NM_001394073.1(HS6ST2):c.849G>A (p.Thr283=)

Gene: HS6ST2 (heparan sulfate 6-O-sulfotransferase 2; minus strand). Cytogenetic location: Xq26.2.
Variant type: single nucleotide variant.
Coding change: c.849G>A on transcript NM_001394073.1 (MANE Select); coding-DNA position 849, G replaced by A.
Protein change: p.Thr283=; no amino-acid change (threonine 283 retained).
Molecular consequence: synonymous variant.
Genome position (GRCh38, 1-based): chrX:132,956,906, C>T on the plus strand (G>A on the coding strand, the complement: HS6ST2 is on the minus strand). VCF-style: chrX-132956906-C-T. GRCh37 (hg19) VCF-style: chrX-132090934-C-T.
Other names: c.849G>A, p.Thr283= (NM_001077188.2, NM_001394074.1, NM_147175.4).
Identifiers: ClinVar variation 4987969 (VCV004987969.1).

ClinVar aggregate classification (germline): Likely benign (1 of 4 stars; one submission).

Conditions:
HS6ST2-related disorder. Also called: HS6ST2-related condition.

Submission:

PreventionGenetics, part of Exact Sciences
Classification: Likely benign for HS6ST2-related condition. Last evaluated: 2025-04-28. Review status: criteria provided, single submitter. Criteria: ACMG Guidelines, 2015. Collection method: clinical testing. Allele origin: germline.
Comment: This variant is classified as likely benign based on ACMG/AMP sequence variant interpretation guidelines (Richards et al. 2015 PMID: 25741868, with internal and published modifications).